The following is an entry in ClinVar:

ClinVar aggregate classification (germline): Likely pathogenic (1 of 4 stars; one submission).

Conditions:
Glycine encephalopathy. Also called: Nonketotic hyperglycinemia; Non-ketotic hyperglycinemia. Identifiers: Orphanet 407, MedGen C0751748, MONDO:0011612, HP:0008288.

Submission:

Labcorp Genetics (formerly Invitae), Labcorp
Classification: Likely pathogenic for Glycine encephalopathy. Last evaluated: 2022-12-20. Review status: criteria provided, single submitter. Criteria: Invitae Variant Classification Sherloc (09022015). Collection method: clinical testing. Allele origin: germline.
Comment: In summary, the currently available evidence indicates that the variant is pathogenic, but additional data are needed to prove that conclusively. Therefore, this variant has been classified as Likely Pathogenic. Algorithms developed to predict the effect of sequence changes on RNA splicing suggest that this variant may disrupt the consensus splice site. This variant has not been reported in the literature in individuals affected with AMT-related conditions. This variant is not present in population databases (gnomAD no frequency). This sequence change affects a donor splice site in intron 2 of the AMT gene. It is expected to disrupt RNA splicing. Variants that disrupt the donor or acceptor splice site typically lead to a loss of protein function (PMID: 16199547), and loss-of-function variants in AMT are known to be pathogenic (PMID: 16450403).

Literature cited by the submitters: PubMed 16199547; PubMed 16450403.

NM_000481.4(AMT):c.258+1G>A

Gene: AMT (aminomethyltransferase; minus strand). Cytogenetic location: 3p21.31.
Variant type: single nucleotide variant.
Coding change: c.258+1G>A on transcript NM_000481.4 (MANE Select); the canonical splice donor site of the intron after coding-DNA position 258, G replaced by A.
Molecular consequence: splice donor variant. On other transcripts: intron variant (1).
Genome position (GRCh38, 1-based): chr3:49,422,103, C>T on the plus strand (G>A on the coding strand, the complement: AMT is on the minus strand). VCF-style: chr3-49422103-C-T. GRCh37 (hg19) VCF-style: chr3-49459536-C-T.
Other names: c.90+258G>A (NM_001164711.2); c.258+1G>A (NM_001164710.2, NM_001164712.2).
Identifiers: ClinVar variation 2822418 (VCV002822418.3), dbSNP rs2471160357, ClinGen allele CA352791004.